The following is an entry in ClinVar:

ClinVar aggregate classification (germline): Uncertain significance (1 of 4 stars; one submission).

Submission:

Women's Health and Genetics/Laboratory Corporation of America, LabCorp
Classification: Uncertain significance. Last evaluated: 2026-03-23. Review status: criteria provided, single submitter. Criteria: LabCorp Variant Classification Summary - May 2015. Collection method: clinical testing. Allele origin: germline.
Comment: Variant summary: ADGRV1 c.15553G>A (p.Val5185Ile) results in a conservative amino acid change in the encoded protein sequence. Algorithms developed to predict the effect of missense changes on protein structure and function all suggest that this variant is likely to be tolerated. The variant allele was found at a frequency of 4e-06 in 249272 control chromosomes. The available data on variant occurrences in the general population are insufficient to allow any conclusion about variant significance. To our knowledge, no occurrence of c.15553G>A in individuals affected with ADGRV1-related conditions and no experimental evidence demonstrating its impact on protein function have been reported. No submitters have cited clinical-significance assessments for this variant to ClinVar. Based on the evidence outlined above, the variant was classified as uncertain significance.

NM_032119.4(ADGRV1):c.15553G>A (p.Val5185Ile)

Gene: ADGRV1 (adhesion G protein-coupled receptor V1; plus strand). Cytogenetic location: 5q14.3.
Variant type: single nucleotide variant.
Coding change: c.15553G>A on transcript NM_032119.4 (MANE Select); coding-DNA position 15553, G replaced by A.
Protein change: p.Val5185Ile; replaces valine 5185 with isoleucine.
Molecular consequence: missense variant. On other transcripts: non-coding transcript variant (1).
Genome position (GRCh38, 1-based): chr5:90,810,813, G>A. VCF-style: chr5-90810813-G-A. GRCh37 (hg19) VCF-style: chr5-90106630-G-A.
Other names: short protein forms V5185I.
Identifiers: ClinVar variation 4847766 (VCV004847766.1).